The following is an entry in ClinVar:

ClinVar aggregate classification (germline): Benign. Review status: criteria provided, multiple submitters, no conflicts (2 of 4 stars). 16 submissions from 15 submitters: Benign (12). 4 of the submissions do not count toward it. Last evaluated 2026-02-04.

Conditions:
Autosomal recessive spastic paraplegia type 78. Identifiers: Orphanet 513436, MedGen C5567893, MONDO:0014975, OMIM 617225.
Kufor-Rakeb syndrome (KRS). Also called: PARKINSON DISEASE 9, AUTOSOMAL RECESSIVE, JUVENILE-ONSET. Identifiers: Orphanet 306674, Orphanet 314632, MedGen C1847640, MONDO:0011706, OMIM 606693.
Inborn genetic diseases. Identifiers: MedGen C0950123, MeSH D030342.

Allele frequency attached by ClinVar (database versions not stated): 1000 Genomes Project 0.34625; 1000 Genomes Project 30x 0.35228; TOPMed 0.40707; gnomAD 0.41522 and 0.41714; ESP Exome Variant Server 0.42556; ExAC 0.46386; gnomAD exomes 0.46536 and 0.50497.
gnomAD v4.1: 799,264 of 1,612,896 alleles (50%); highest among the groups gnomAD compares: Non-Finnish European, 53%; 203,563 homozygotes.

Submissions (16):

Labcorp Genetics (formerly Invitae), Labcorp
Classification: Benign for Kufor-Rakeb syndrome; Autosomal recessive spastic paraplegia type 78. Last evaluated: 2026-02-04. Review status: criteria provided, single submitter. Criteria: Invitae Variant Classification Sherloc (09022015). Collection method: clinical testing. Allele origin: germline.

Blueprint Genetics
Classification: Benign. Last evaluated: 2024-11-26. Review status: criteria provided, single submitter. Criteria: ACMG Guidelines, 2015. Collection method: clinical testing. Allele origin: germline.

Unidad de Genómica Garrahan, Hospital de Pediatría Garrahan
Classification: Benign. Last evaluated: 2024-07-15. Review status: criteria provided, single submitter. Criteria: ACMG Guidelines, 2015. Collection method: clinical testing. Allele origin: germline. Affected: no. Observed: 66 variant alleles.
Comment: This variant is classified as Benign based on local population frequency. This variant was detected in 71% of patients studied in a panel designed for Epileptic and Developmental Encephalopathy and Progressive Myoclonus Epilepsy. Number of patients: 66. Only high quality variants are reported.

Genome-Nilou Lab
Classification: Benign for Kufor-Rakeb syndrome. Last evaluated: 2021-07-14. Review status: criteria provided, single submitter. Criteria: ACMG Guidelines, 2015. Collection method: clinical testing. Allele origin: germline. Affected: no.

Genome-Nilou Lab
Classification: Benign for Autosomal recessive spastic paraplegia type 78. Last evaluated: 2021-07-14. Review status: criteria provided, single submitter. Criteria: ACMG Guidelines, 2015. Collection method: clinical testing. Allele origin: germline. Affected: no.

GeneDx
Classification: Benign. Last evaluated: 2018-07-06. Review status: criteria provided, single submitter. Criteria: GeneDx Variant Classification Process June 2021. Collection method: clinical testing. Allele origin: germline. Affected: yes.

Illumina Laboratory Services, Illumina
Classification: Benign for Kufor-Rakeb syndrome. Last evaluated: 2018-01-13. Review status: criteria provided, single submitter. Criteria: ICSL Variant Classification Criteria 13 December 2019. Collection method: clinical testing. Allele origin: germline.
Comment: This variant was observed in the ICSL laboratory as part of a predisposition screen in an ostensibly healthy population. It had not been previously curated by ICSL or reported in the Human Gene Mutation Database (HGMD: prior to June 1st, 2018), and was therefore a candidate for classification through an automated scoring system. Utilizing variant allele frequency, disease prevalence and penetrance estimates, and inheritance mode, an automated score was calculated to assess if this variant is too frequent to cause the disease. Based on the score and internal cut-off values, a variant classified as benign is not then subjected to further curation. The score for this variant resulted in a classification of benign for this disease.

Athena Diagnostics
Classification: Benign. Last evaluated: 2017-04-20. Review status: criteria provided, single submitter. Criteria: Athena Diagnostics Criteria. Collection method: clinical testing. Allele origin: germline.

Ambry Genetics
Classification: Benign for Inborn genetic diseases. Last evaluated: 2016-01-08. Review status: criteria provided, single submitter. Criteria: Ambry Variant Classification Scheme 2023. Collection method: clinical testing. Allele origin: germline.

Genetic Services Laboratory, University of Chicago
Classification: Benign for AllHighlyPenetrant. Last evaluated: 2013-08-15. Review status: criteria provided, single submitter. Criteria: ACMG Guidelines, 2007. Collection method: clinical testing. Allele origin: germline. Inheritance: Autosomal recessive inheritance.

Breakthrough Genomics
Classification: Benign. Review status: criteria provided, single submitter. Criteria: ACMG Guidelines, 2015. Collection method: not provided. Allele origin: germline. Inheritance: Autosomal recessive inheritance. Affected: yes.

PreventionGenetics, part of Exact Sciences
Classification: Benign. Review status: criteria provided, single submitter. Criteria: ACMG Guidelines, 2015. Collection method: clinical testing. Allele origin: germline.

Mayo Clinic Laboratories, Mayo Clinic
Classification: Benign. Last evaluated: 2015-10-19. Review status: no assertion criteria provided. Collection method: clinical testing. Allele origin: unknown. Not counted in ClinVar's aggregate classification.

Clinical Genetics DNA and cytogenetics Diagnostics Lab, Erasmus MC, Erasmus Medical Center
Classification: Benign. Review status: no assertion criteria provided. Collection method: clinical testing. Allele origin: germline. Affected: yes. Study: VKGL Data-share Consensus. Not counted in ClinVar's aggregate classification.

Genome Diagnostics Laboratory, Amsterdam University Medical Center
Classification: Benign. Review status: no assertion criteria provided. Collection method: clinical testing. Allele origin: germline. Affected: yes. Study: VKGL Data-share Consensus. Not counted in ClinVar's aggregate classification.

Joint Genome Diagnostic Labs from Nijmegen and Maastricht, Radboudumc and MUMC+
Classification: Benign. Review status: no assertion criteria provided. Collection method: clinical testing. Allele origin: germline. Affected: yes. Study: VKGL Data-share Consensus. Not counted in ClinVar's aggregate classification.

NM_022089.4(ATP13A2):c.2970G>A (p.Val990=)

Gene: ATP13A2 (ATPase cation transporting 13A2; minus strand). Cytogenetic location: 1p36.13.
Variant type: single nucleotide variant.
Coding change: c.2970G>A on transcript NM_022089.4 (MANE Select); coding-DNA position 2970, G replaced by A.
Protein change: p.Val990=; no amino-acid change (valine 990 retained).
Molecular consequence: synonymous variant.
Genome position (GRCh38, 1-based): chr1:16,987,159, C>T on the plus strand (G>A on the coding strand, the complement: ATP13A2 is on the minus strand). VCF-style: chr1-16987159-C-T. GRCh37 (hg19) VCF-style: chr1-17313654-C-T.
Other names: c.2955G>A, p.Val985= (NM_001141973.3); c.2838G>A, p.Val946= (NM_001141974.3).
Identifiers: ClinVar variation 128470 (VCV000128470.35), dbSNP rs761421, ClinGen allele CA151954.